The following is an entry in ClinVar:

ClinVar aggregate classification (germline): Uncertain significance (1 of 4 stars; one submission).

Conditions:
Cystic fibrosis (CF). Also called: MUCOVISCIDOSIS. Identifiers: Orphanet 586, MedGen C0010674, MONDO:0009061, OMIM 219700. Disease mechanism: loss of function.

gnomAD v4.1: 1 of 1,612,290 alleles (0.000062%); highest among the groups gnomAD compares: Non-Finnish European, 0.000085%; no homozygotes.

Submission:

Ambry Genetics
Classification: Uncertain significance for Cystic fibrosis. Last evaluated: 2023-12-30. Review status: criteria provided, single submitter. Criteria: Ambry Variant Classification Scheme 2023. Collection method: clinical testing. Allele origin: germline.
Comment: The p.V1114I variant (also known as c.3340G>A), located in coding exon 20 of the CFTR gene, results from a G to A substitution at nucleotide position 3340. The valine at codon 1114 is replaced by isoleucine, an amino acid with highly similar properties. This amino acid position is conserved. In addition, the in silico prediction for this alteration is inconclusive. Since supporting evidence is limited at this time, the clinical significance of this alteration remains unclear.

NM_000492.4(CFTR):c.3340G>A (p.Val1114Ile)

Genes: CFTR (CF transmembrane conductance regulator; plus strand), CFTR-AS2 (CFTR antisense RNA 2; minus strand), LOC111674472 (DNase I hypersensitive sites in introns 16 and 17a of CFTR; plus strand). Cytogenetic location: 7q31.2.
Variant type: single nucleotide variant.
Coding change: c.3340G>A on transcript NM_000492.4 (MANE Select); coding-DNA position 3340, G replaced by A.
Protein change: p.Val1114Ile; replaces valine 1114 with isoleucine.
Molecular consequence: missense variant.
Genome position (GRCh38, 1-based): chr7:117,611,781, G>A. VCF-style: chr7-117611781-G-A. GRCh37 (hg19) VCF-style: chr7-117251835-G-A.
Other names: short protein forms V1114I.
Identifiers: ClinVar variation 3231885 (VCV003231885.1), dbSNP rs762831873, ClinGen allele CA368992582.
Genomic context (GRCh38, chr7:117,611,781, plus strand): 5'-TCAACACTGCGCTGGTTCCAAATGAGAATAGAAATGATTTTTGTCATCTTCTTCATTGCT[G>A]TTACCTTCATTTCCATTTTAACAACAGGTACTATGAACTCATTAACTTTAGCTAAGCATT-3'
Protein context (NP_000483.3, residues 1104-1124): EMIFVIFFIA[Val1114Ile]TFISILTTGE